The following is an entry in ClinVar:

NM_001267550.2(TTN):c.103912C>T (p.Arg34638Cys)

Genes: TTN (titin; minus strand), TTN-AS1 (TTN antisense RNA 1; plus strand). Cytogenetic location: 2q31.2.
Variant type: single nucleotide variant.
Coding change: c.103912C>T on transcript NM_001267550.2 (MANE Select); coding-DNA position 103912, C replaced by T.
Protein change: p.Arg34638Cys; replaces arginine 34638 with cysteine.
Molecular consequence: missense variant.
Genome position (GRCh38, 1-based): chr2:178,532,703, G>A on the plus strand (C>T on the coding strand, the complement: TTN is on the minus strand). VCF-style: chr2-178532703-G-A. GRCh37 (hg19) VCF-style: chr2-179397430-G-A.
Other names: p.R32997C:CGT>TGT; p.Arg32997Cys; c.98989C>T, p.Arg32997Cys (NM_001256850.1); c.76717C>T, p.Arg25573Cys (NM_003319.4); c.96208C>T, p.Arg32070Cys (NM_133378.4); c.77092C>T, p.Arg25698Cys (NM_133432.3); c.77293C>T, p.Arg25765Cys (NM_133437.4); short protein forms R32070C, R34638C, R32997C, R25698C, R25573C, R25765C.
Identifiers: ClinVar variation 191817 (VCV000191817.12), dbSNP rs374444254, ClinGen allele CA302387.

ClinVar aggregate classification (germline): Conflicting classifications of pathogenicity. Review status: criteria provided, conflicting classifications (1 of 4 stars). 7 submissions from 7 submitters: Uncertain significance (4); Likely benign (1). 2 of the submissions do not count toward it. Last evaluated 2026-01-28.

Conditions:
TTN-related disorder. Also called: TTN-related condition; TTN-related disease; TTN-related disorders.
Cardiovascular phenotype. Identifiers: MedGen CN230736.

Allele frequency attached by ClinVar (database versions not stated): gnomAD exomes 0.00002 and 0.00004; ExAC 0.00006; TOPMed 0.00010; gnomAD 0.00012 and 0.00013; ESP Exome Variant Server 0.00025.
gnomAD v4.1: 44 of 1,613,826 alleles (0.0027%); highest among the groups gnomAD compares: African/African-American, 0.031%; no homozygotes.

Submissions (7):

PreventionGenetics, part of Exact Sciences
Classification: Uncertain significance for TTN-related condition. Last evaluated: 2026-01-28. Review status: criteria provided, single submitter. Criteria: ACMG Guidelines, 2015. Collection method: clinical testing. Allele origin: germline.
Comment: The TTN c.103912C>T variant is predicted to result in the amino acid substitution p.Arg34638Cys. To our knowledge, this variant has not been reported in individuals with TTN-associated disorders in the literature. This variant is reported in 0.041% of alleles in individuals of African descent in gnomAD. At this time, the clinical significance of this variant is uncertain due to the absence of conclusive functional and genetic evidence.

Mayo Clinic Laboratories, Mayo Clinic
Classification: Uncertain significance. Last evaluated: 2025-07-03. Review status: criteria provided, single submitter. Criteria: ACMG Guidelines, 2015. Collection method: clinical testing. Allele origin: germline. Observed: 1 variant allele.

Ambry Genetics
Classification: Uncertain significance for Cardiovascular phenotype. Last evaluated: 2019-12-15. Review status: criteria provided, single submitter. Criteria: Ambry Variant Classification Scheme 2023. Collection method: clinical testing. Allele origin: germline.
Comment: The p.R25573C variant (also known as c.76717C>T), located in coding exon 185 of the TTN gene, results from a C to T substitution at nucleotide position 76717. The arginine at codon 25573 is replaced by cysteine, an amino acid with highly dissimilar properties. This amino acid position is well conserved in available vertebrate species. In addition, the in silico prediction for this alteration is inconclusive. Since supporting evidence is limited at this time, the clinical significance of this alteration remains unclear.

GeneDx
Classification: Likely benign. Last evaluated: 2018-12-04. Review status: criteria provided, single submitter. Criteria: GeneDx Variant Classification Process June 2021. Collection method: clinical testing. Allele origin: germline. Affected: yes.
Comment: This variant is associated with the following publications: (PMID: 23861362)

Biesecker Lab/Clinical Genomics Section, National Institutes of Health
Classification: Uncertain significance. Last evaluated: 2013-06-24. Review status: criteria provided, single submitter. Criteria: Ng et al. (Circ Cardiovasc Genet. 2013). Collection method: research. Allele origin: unknown. Observed: 1 variant allele. Study: ClinSeq.
Comment: The study set was not selected for affection status in relation to any cancer. Pathogenicity categories were based on literature curation. See Pubmed ID:23861362 for details.

Medical sequencing

Clinical Genetics DNA and cytogenetics Diagnostics Lab, Erasmus MC, Erasmus Medical Center
Classification: Uncertain significance. Review status: no assertion criteria provided. Collection method: clinical testing. Allele origin: germline. Affected: yes. Study: VKGL Data-share Consensus. Not counted in ClinVar's aggregate classification.

Diagnostic Laboratory, Department of Genetics, University Medical Center Groningen
Classification: Uncertain significance. Review status: no assertion criteria provided. Collection method: clinical testing. Allele origin: germline. Affected: yes. Study: VKGL Data-share Consensus. Not counted in ClinVar's aggregate classification.